The following is an entry in ClinVar:

ClinVar aggregate classification (germline): Uncertain significance. Review status: criteria provided, multiple submitters, no conflicts (2 of 4 stars). 3 submissions from 3 submitters: Uncertain significance (2). 1 of the submissions does not count toward it. Last evaluated 2023-09-05.

Conditions:
alpha Thalassemia. Also called: Alpha thalassemia spectrum. Identifiers: Orphanet 846, MedGen C0002312, MONDO:0011399, OMIM 604131.

Submissions (3):

ARUP Laboratories, Molecular Genetics and Genomics, ARUP Laboratories
Classification: Uncertain significance. Last evaluated: 2023-09-05. Review status: criteria provided, single submitter. Criteria: ARUP Molecular Germline Variant Investigation Process 2024. Collection method: clinical testing. Allele origin: germline.
Comment: The Hb Chad variant (HBA2: c.70G>A; p.Glu24Lys, also known as Glu23Lys when numbered from the mature protein, rs281864819) is reported in the literature in individuals with hypochromia or no clinical symptoms, and does not contribute to the clinical phenotype when found with other structural variants (see link to HbVar database for Hb Chad and references therein). This variant is absent from the Genome Aggregation Database, indicating it is not a common polymorphism. Computational analyses are uncertain whether this variant is neutral or deleterious (REVEL: 0.535). Additionally, other variants at this codon (Hb Memphis, Hb G-Audhali, Hb Dayton, Hb Reims, Hb Lisbon) have been reported in individuals with no clinical symptoms (see link to HbVar database and references therein). While the available information suggests that this is a benign structural variant, due to the presence of individuals with hypochromia, the clinical significance of the Hb Chad variant is uncertain at this time. References: Link to HbVar database

Quest Diagnostics Nichols Institute San Juan Capistrano
Classification: Uncertain significance. Last evaluated: 2023-05-31. Review status: criteria provided, single submitter. Criteria: Quest Diagnostics criteria. Collection method: clinical testing. Allele origin: unknown.
Comment: In the published literature, this variant has been reported in individuals and families examined for hemoglobin variation in Chad (PMID: 5714528 (1968)), China (PMID: 4786652 (1973)), Japan (PMID: 6689417 (1983)), and Suriname (PMID: 2606723 (1989)). Some individuals heterozygous for this variant have normal clinical presentations while others presented with microcytosis and hypochromia (PMID: 2606723 (1989)), as well as polycythemia (PMID: 6689417 (1983)). This variant has not been reported in large, multi-ethnic general populations (Genome Aggregation Database). Analysis of this variant using bioinformatics tools for the prediction of the effect of amino acid changes on protein structure and function yielded conflicting predictions that this variant is deleterious or benign. Based on the available information, we are unable to determine the clinical significance of this variant.

Natera, Inc.
Classification: Uncertain significance for Alpha thalassemia. Last evaluated: 2021-05-21. Review status: no assertion criteria provided. Collection method: clinical testing. Allele origin: germline. Not counted in ClinVar's aggregate classification.

Literature cited by the submitters: PubMed 4786652 (cited by Quest Diagnostics Nichols Institute San Juan Capistrano); PubMed 5714528 (cited by Quest Diagnostics Nichols Institute San Juan Capistrano); PubMed 2606723 (cited by Quest Diagnostics Nichols Institute San Juan Capistrano); PubMed 6689417 (cited by Quest Diagnostics Nichols Institute San Juan Capistrano); PubMed 15481894 (cited by Quest Diagnostics Nichols Institute San Juan Capistrano).

NM_000517.6(HBA2):c.70G>A (p.Glu24Lys)

Genes: HBA2 (hemoglobin subunit alpha 2; plus strand), LOC106804612 (hemoglobin subunit alpha 2 recombination region; plus strand). Cytogenetic location: 16p13.3.
Variant type: single nucleotide variant.
Coding change: c.70G>A on transcript NM_000517.6 (MANE Select); coding-DNA position 70, G replaced by A.
Protein change: p.Glu24Lys; replaces glutamic acid 24 with lysine.
Molecular consequence: missense variant.
Genome position (GRCh38, 1-based): chr16:172,982, G>A. VCF-style: chr16-172982-G-A. GRCh37 (hg19) VCF-style: chr16-222981-G-A.
Other names: c.70G>A (NM_000517.4); short protein forms E24K.
Identifiers: ClinVar variation 995596 (VCV000995596.10), dbSNP rs281864819, ClinGen allele CA276414435.